The following is an entry in ClinVar:

ClinVar aggregate classification (germline): Benign (1 of 4 stars; one submission).

Conditions:
Congenital Muscular Dystrophy, alpha-dystroglycan related.

Allele frequency attached by ClinVar (database versions not stated): ExAC 0.00010; gnomAD exomes 0.00779; gnomAD 0.00849; 1000 Genomes Project 0.05172.

Submission:

Illumina Laboratory Services, Illumina
Classification: Benign for Congenital Muscular Dystrophy, alpha-dystroglycan related. Last evaluated: 2018-01-13. Review status: criteria provided, single submitter. Criteria: ICSL Variant Classification Criteria 13 December 2019. Collection method: clinical testing. Allele origin: germline.
Comment: This variant was observed in the ICSL laboratory as part of a predisposition screen in an ostensibly healthy population. It had not been previously curated by ICSL or reported in the Human Gene Mutation Database (HGMD: prior to June 1st, 2018), and was therefore a candidate for classification through an automated scoring system. Utilizing variant allele frequency, disease prevalence and penetrance estimates, and inheritance mode, an automated score was calculated to assess if this variant is too frequent to cause the disease. Based on the score and internal cut-off values, a variant classified as benign is not then subjected to further curation. The score for this variant resulted in a classification of benign for this disease.

NM_001101426.4(CRPPA):c.*2368T>G

Gene: CRPPA (CDP-L-ribitol pyrophosphorylase A; minus strand). Cytogenetic location: 7p21.2.
Variant type: single nucleotide variant.
Coding change: c.*2368T>G on transcript NM_001101426.4 (MANE Select); 2368 bases downstream of the stop codon, T replaced by G.
Molecular consequence: 3 prime UTR variant. On other transcripts: non-coding transcript variant (1).
Genome position (GRCh38, 1-based): chr7:16,089,327, A>C on the plus strand (T>G on the coding strand, the complement: CRPPA is on the minus strand). VCF-style: chr7-16089327-A-C. GRCh37 (hg19) VCF-style: chr7-16128952-A-C.
Other names: c.*2368T>G (NM_001101417.4, NM_001368197.1).
Identifiers: ClinVar variation 359524 (VCV000359524.5), dbSNP rs9691122, ClinGen allele CA4169253.